The following is an entry in ClinVar:

ClinVar aggregate classification (germline): Likely benign. Review status: criteria provided, multiple submitters, no conflicts (2 of 4 stars). 3 submissions from 3 submitters: Likely benign (3). Last evaluated 2025-06-02.

Conditions:
UMOD-related disorder. Also called: UMOD-related condition.

Allele frequency attached by ClinVar (database versions not stated): ExAC 0.00001; TOPMed 0.00002; gnomAD 0.00003; gnomAD exomes 0.00003.
gnomAD v4.1: 54 of 1,614,070 alleles (0.0033%); highest among the groups gnomAD compares: Non-Finnish European, 0.0045%; no homozygotes.

Submissions (3):

Labcorp Genetics (formerly Invitae), Labcorp
Classification: Likely benign. Last evaluated: 2025-06-02. Review status: criteria provided, single submitter. Criteria: Invitae Variant Classification Sherloc (09022015). Collection method: clinical testing. Allele origin: germline.

PreventionGenetics, part of Exact Sciences
Classification: Likely benign for UMOD-related condition. Last evaluated: 2025-04-15. Review status: criteria provided, single submitter. Criteria: ACMG Guidelines, 2015. Collection method: clinical testing. Allele origin: germline.
Comment: This variant is classified as likely benign based on ACMG/AMP sequence variant interpretation guidelines (Richards et al. 2015 PMID: 25741868, with internal and published modifications).

Blueprint Genetics
Classification: Likely benign. Last evaluated: 2020-06-04. Review status: criteria provided, single submitter. Criteria: ACMG Guidelines, 2015. Collection method: clinical testing. Allele origin: germline.

NM_003361.4(UMOD):c.1629C>T (p.Ser543=)

Gene: UMOD (uromodulin; minus strand). Cytogenetic location: 16p12.3.
Variant type: single nucleotide variant.
Coding change: c.1629C>T on transcript NM_003361.4 (MANE Select); coding-DNA position 1629, C replaced by T.
Protein change: p.Ser543=; no amino-acid change (serine 543 retained).
Molecular consequence: synonymous variant. On other transcripts: non-coding transcript variant (1).
Genome position (GRCh38, 1-based): chr16:20,337,402, G>A on the plus strand (C>T on the coding strand, the complement: UMOD is on the minus strand). VCF-style: chr16-20337402-G-A. GRCh37 (hg19) VCF-style: chr16-20348724-G-A.
Other names: c.1629C>T (NM_003361.3); c.1629C>T, p.Ser543= (NM_001008389.3, NM_001378232.1, NM_001378233.1); c.1728C>T, p.Ser576= (NM_001278614.2); c.1770C>T, p.Ser590= (NM_001378234.1, NM_001378235.1).
Identifiers: ClinVar variation 2722895 (VCV002722895.5), dbSNP rs781410830, ClinGen allele CA7939074.